The following is an entry in ClinVar:

NM_000051.4(ATM):c.1091del (p.Leu364fs)

Gene: ATM (ATM serine/threonine kinase; plus strand). Cytogenetic location: 11q22.3.
Variant type: Deletion.
Coding change: c.1091del on transcript NM_000051.4 (MANE Select); coding-DNA position 1091, one base deleted (T; older notation c.1091delT).
Protein change: p.Leu364fs; shifts the reading frame from leucine 364.
Molecular consequence: frameshift variant.
Genome position (GRCh38, 1-based): chr11:108,248,958, T deleted; the last of 2 consecutive T bases (chr11:108,248,957-108,248,958); deleting either gives the same sequence. VCF-style (leftmost placement, unchanged base first): chr11-108248956-CT-C. GRCh37 (hg19) VCF-style: chr11-108119683-CT-C.
Other names: c.1091delT, p.Leu364Trpfs (NM_000051.3); c.1091del, p.Leu364fs (NM_001351834.2); c.1091del (NM_000051.3); short protein forms L364fs.
Identifiers: ClinVar variation 3801414 (VCV003801414.2).

ClinVar aggregate classification (germline): Pathogenic/Likely pathogenic. Review status: criteria provided, multiple submitters, no conflicts (2 of 4 stars). 2 submissions from 2 submitters: Pathogenic (1); Likely pathogenic (1). Last evaluated 2025-01-09.

Conditions:
Ataxia-telangiectasia syndrome (AT). Also called: Ataxia-telangiectasia; ATAXIA-TELANGIECTASIA, FRESNO VARIANT; Ataxia-telangiectasia, complementation group E; ATAXIA-TELANGIECTASIA, COMPLEMENTATION GROUP A; Ataxia telangiectasia (A-T); Cerebello-oculocutaneous telangiectasia. Identifiers: Orphanet 100, MedGen C0004135, MONDO:0008840, OMIM 208900.
Hereditary cancer-predisposing syndrome. Also called: Hereditary Cancer Syndrome; Hereditary neoplastic syndrome; Tumor predisposition; Neoplastic Syndromes, Hereditary. Identifiers: Orphanet 140162, MedGen C0027672, MeSH D009386, MONDO:0015356.

Submissions (2):

Ambry Genetics
Classification: Pathogenic for Hereditary cancer-predisposing syndrome. Last evaluated: 2025-01-09. Review status: criteria provided, single submitter. Criteria: Ambry Variant Classification Scheme 2023. Collection method: clinical testing. Allele origin: germline.
Comment: The c.1091delT pathogenic mutation, located in coding exon 8 of the ATM gene, results from a deletion of one nucleotide at nucleotide position 1091, causing a translational frameshift with a predicted alternate stop codon (p.L364Wfs*26). This variant is considered to be rare based on population cohorts in the Genome Aggregation Database (gnomAD). This alteration is expected to result in loss of function by premature protein truncation or nonsense-mediated mRNA decay. As such, this alteration is interpreted as a disease-causing mutation.

Natera, Inc.
Classification: Likely pathogenic for Ataxia-telangiectasia. Last evaluated: 2024-05-10. Review status: criteria provided, single submitter. Criteria: Natera Variant Classification Schema (03/2026). Collection method: clinical testing. Allele origin: germline.
Comment: The c.1091del variant in ATM is a frameshift variant predicted to shift the reading frame beginning at codon 364 and leads to a stop codon 26 codons downstream. This variant is expected to result in nonsense mediated decay, truncation, or a dysfunctional protein product. This variant is rare in the general population with a frequency below the threshold expected for the associated phenotype(s). Given the available evidence, this variant is classified as Likely Pathogenic.